The following is an entry in ClinVar:

NM_001371986.1(UNC80):c.1221C>T (p.Asn407=)

Gene: UNC80 (unc-80 subunit of NALCN channel complex; plus strand). Cytogenetic location: 2q34.
Variant type: single nucleotide variant.
Coding change: c.1221C>T on transcript NM_001371986.1 (MANE Select); coding-DNA position 1221, C replaced by T.
Protein change: p.Asn407=; no amino-acid change (asparagine 407 retained).
Molecular consequence: synonymous variant.
Genome position (GRCh38, 1-based): chr2:209,815,277, C>T. VCF-style: chr2-209815277-C-T. GRCh37 (hg19) VCF-style: chr2-210680001-C-T.
Other names: c.1221C>T (NM_032504.1); c.1221C>T, p.Asn407= (NM_032504.2, NM_182587.4).
Identifiers: ClinVar variation 1166034 (VCV001166034.15), dbSNP rs200884661, ClinGen allele CA2082914.

ClinVar aggregate classification (germline): Benign/Likely benign. Review status: criteria provided, multiple submitters, no conflicts (2 of 4 stars). 5 submissions from 5 submitters: Benign (1); Likely benign (3). 1 of the submissions does not count toward it. Last evaluated 2026-09-01.

Conditions:
UNC80-related disorder. Also called: UNC80-related condition.
Hypotonia, infantile, with psychomotor retardation and characteristic facies 2 (IHPRF2). Also called: UNC80 Deficiency. Identifiers: Orphanet 371364, Orphanet 700333, MedGen C4225203, MONDO:0014777, OMIM 616801.

Allele frequency attached by ClinVar (database versions not stated): gnomAD 0.00032 and 0.00033; ESP Exome Variant Server 0.00044.
gnomAD v4.1: 416 of 1,551,438 alleles (0.027%); highest among the groups gnomAD compares: South Asian, 0.05%; no homozygotes.

Submissions (5):

CeGaT Center for Human Genetics Tuebingen
Classification: Likely benign. Last evaluated: 2026-09-01. Review status: criteria provided, single submitter. Criteria: CeGaT Center For Human Genetics Tuebingen Variant Classification Criteria Version 2. Collection method: clinical testing. Allele origin: germline. Affected: yes. Observed: 2 variant alleles.
Comment: UNC80: BP4, BP7

Labcorp Genetics (formerly Invitae), Labcorp
Classification: Benign. Last evaluated: 2025-10-26. Review status: criteria provided, single submitter. Criteria: Invitae Variant Classification Sherloc (09022015). Collection method: clinical testing. Allele origin: germline.

Blueprint Genetics
Classification: Likely benign. Last evaluated: 2024-10-29. Review status: criteria provided, single submitter. Criteria: ACMG Guidelines, 2015. Collection method: clinical testing. Allele origin: germline.

ARUP Laboratories, Molecular Genetics and Genomics, ARUP Laboratories
Classification: Likely benign for Hypotonia, infantile, with psychomotor retardation and characteristic facies 2. Last evaluated: 2024-05-21. Review status: criteria provided, single submitter. Criteria: ARUP Molecular Germline Variant Investigation Process 2024. Collection method: clinical testing. Allele origin: germline.

PreventionGenetics, part of Exact Sciences
Classification: Benign for UNC80-related condition. Last evaluated: 2019-06-26. Review status: no assertion criteria provided. Collection method: clinical testing. Allele origin: germline. Not counted in ClinVar's aggregate classification.
Comment: This variant is classified as benign based on ACMG/AMP sequence variant interpretation guidelines (Richards et al. 2015 PMID: 25741868, with internal and published modifications).